The following is an entry in ClinVar:

NM_001276270.2(MBD4):c.682G>A (p.Val228Ile)

Gene: MBD4 (methyl-CpG binding domain 4, DNA glycosylase; minus strand). Cytogenetic location: 3q21.3.
Variant type: single nucleotide variant.
Coding change: c.682G>A on transcript NM_001276270.2 (MANE Select); coding-DNA position 682, G replaced by A.
Protein change: p.Val228Ile; replaces valine 228 with isoleucine.
Molecular consequence: missense variant. On other transcripts: intron variant (1).
Genome position (GRCh38, 1-based): chr3:129,436,962, C>T on the plus strand (G>A on the coding strand, the complement: MBD4 is on the minus strand). VCF-style: chr3-129436962-C-T. GRCh37 (hg19) VCF-style: chr3-129155805-C-T.
Other names: c.682G>A, p.Val228Ile (NM_001276271.2, NM_001276272.2, NM_003925.3); c.247+846G>A (NM_001276273.2); short protein forms V228I.
Identifiers: ClinVar variation 3717078 (VCV003717078.3).

ClinVar aggregate classification (germline): Conflicting classifications of pathogenicity. Review status: criteria provided, conflicting classifications (1 of 4 stars). 2 submissions from 2 submitters: Uncertain significance (1); Likely benign (1). Last evaluated 2025-09-24.

Conditions:
Inborn genetic diseases. Identifiers: MedGen C0950123, MeSH D030342.

Submissions (2):

Labcorp Genetics (formerly Invitae), Labcorp
Classification: Uncertain significance. Last evaluated: 2025-09-24. Review status: criteria provided, single submitter. Criteria: Invitae Variant Classification Sherloc (09022015). Collection method: clinical testing. Allele origin: germline.
Comment: This sequence change replaces valine, which is neutral and non-polar, with isoleucine, which is neutral and non-polar, at codon 228 of the MBD4 protein (p.Val228Ile). This variant is present in population databases (no rsID available, gnomAD 0.0009%). This variant has not been reported in the literature in individuals affected with MBD4-related conditions. ClinVar contains an entry for this variant (Variation ID: 3717078). An algorithm developed to predict the effect of missense changes on protein structure and function outputs the following: PolyPhen-2: "Benign". The isoleucine amino acid residue is found in multiple mammalian species, which suggests that this missense change does not adversely affect protein function. In summary, the available evidence is currently insufficient to determine the role of this variant in disease. Therefore, it has been classified as a Variant of Uncertain Significance.

Ambry Genetics
Classification: Likely benign for Inborn genetic diseases. Last evaluated: 2025-01-16. Review status: criteria provided, single submitter. Criteria: Ambry Variant Classification Scheme 2023. Collection method: clinical testing. Allele origin: germline.